The following is an entry in ClinVar:

ClinVar aggregate classification (germline): Conflicting classifications of pathogenicity. Review status: criteria provided, conflicting classifications (1 of 4 stars). 3 submissions from 3 submitters: Uncertain significance (2); Likely benign (1). Last evaluated 2024-10-13.

Conditions:
Inborn genetic diseases. Identifiers: MedGen C0950123, MeSH D030342.

Allele frequency attached by ClinVar (database versions not stated): gnomAD 0.00015; ExAC 0.00028.
gnomAD v4.1: 377 of 1,508,454 alleles (0.025%); highest among the groups gnomAD compares: Non-Finnish European, 0.031%; no homozygotes.

Submissions (3):

Blueprint Genetics
Classification: Likely benign. Last evaluated: 2024-10-13. Review status: criteria provided, single submitter. Criteria: ACMG Guidelines, 2015. Collection method: clinical testing. Allele origin: germline.

Labcorp Genetics (formerly Invitae), Labcorp
Classification: Uncertain significance. Last evaluated: 2024-05-23. Review status: criteria provided, single submitter. Criteria: Invitae Variant Classification Sherloc (09022015). Collection method: clinical testing. Allele origin: germline.
Comment: This sequence change replaces alanine, which is neutral and non-polar, with aspartic acid, which is acidic and polar, at codon 69 of the HAND2 protein (p.Ala69Asp). This variant is present in population databases (rs768515588, gnomAD 0.03%), and has an allele count higher than expected for a pathogenic variant. This variant has not been reported in the literature in individuals affected with HAND2-related conditions. ClinVar contains an entry for this variant (Variation ID: 2355016). An algorithm developed to predict the effect of missense changes on protein structure and function (PolyPhen-2) suggests that this variant is likely to be tolerated. In summary, the available evidence is currently insufficient to determine the role of this variant in disease. Therefore, it has been classified as a Variant of Uncertain Significance.

Ambry Genetics
Classification: Uncertain significance for Inborn genetic diseases. Last evaluated: 2021-09-27. Review status: criteria provided, single submitter. Criteria: Ambry Variant Classification Scheme 2023. Collection method: clinical testing. Allele origin: germline.

NM_021973.3(HAND2):c.206C>A (p.Ala69Asp)

Genes: HAND2 (heart and neural crest derivatives expressed 2; minus strand), HAND2-AS1 (HAND2 antisense RNA 1; plus strand). Cytogenetic location: 4q34.1.
Variant type: single nucleotide variant.
Coding change: c.206C>A on transcript NM_021973.3 (MANE Select); coding-DNA position 206, C replaced by A.
Protein change: p.Ala69Asp; replaces alanine 69 with aspartic acid.
Molecular consequence: missense variant.
Genome position (GRCh38, 1-based): chr4:173,529,084, G>T on the plus strand (C>A on the coding strand, the complement: HAND2 is on the minus strand). VCF-style: chr4-173529084-G-T. GRCh37 (hg19) VCF-style: chr4-174450235-G-T.
Other names: short protein forms A69D.
Identifiers: ClinVar variation 2355016 (VCV002355016.6), dbSNP rs768515588, ClinGen allele CA3141345.